The following is an entry in ClinVar:

NM_001013838.3(CARMIL2):c.3013C>T (p.Pro1005Ser)

Gene: CARMIL2 (capping protein regulator and myosin 1 linker 2; plus strand). Cytogenetic location: 16q22.1.
Variant type: single nucleotide variant.
Coding change: c.3013C>T on transcript NM_001013838.3 (MANE Select); coding-DNA position 3013, C replaced by T.
Protein change: p.Pro1005Ser; replaces proline 1005 with serine.
Molecular consequence: missense variant.
Genome position (GRCh38, 1-based): chr16:67,653,147, C>T. VCF-style: chr16-67653147-C-T. GRCh37 (hg19) VCF-style: chr16-67687050-C-T.
Other names: c.2905C>T, p.Pro969Ser (NM_001317026.3); short protein forms P969S, P1005S.
Identifiers: ClinVar variation 1464804 (VCV001464804.5), dbSNP rs1416120772, ClinGen allele CA396343039.

ClinVar aggregate classification (germline): Uncertain significance (1 of 4 stars; one submission).

Allele frequency attached by ClinVar (database versions not stated): TOPMed below 0.00001; gnomAD 0.00001.

Submission:

Labcorp Genetics (formerly Invitae), Labcorp
Classification: Uncertain significance. Last evaluated: 2021-08-11. Review status: criteria provided, single submitter. Criteria: Invitae Variant Classification Sherloc (09022015). Collection method: clinical testing. Allele origin: germline.
Comment: In summary, the available evidence is currently insufficient to determine the role of this variant in disease. Therefore, it has been classified as a Variant of Uncertain Significance. Algorithms developed to predict the effect of missense changes on protein structure and function are either unavailable or do not agree on the potential impact of this missense change (SIFT: "Tolerated"; PolyPhen-2: "Probably Damaging"; Align-GVGD: "Class C0"). This variant has not been reported in the literature in individuals affected with CARMIL2-related conditions. The frequency data for this variant in the population databases is considered unreliable, as metrics indicate insufficient coverage at this position in the ExAC database. This sequence change replaces proline with serine at codon 1005 of the CARMIL2 protein (p.Pro1005Ser). The proline residue is weakly conserved and there is a moderate physicochemical difference between proline and serine.